The following is an entry in ClinVar:

ClinVar aggregate classification (germline): Uncertain significance. Review status: criteria provided, multiple submitters, no conflicts (2 of 4 stars). 4 submissions from 4 submitters: Uncertain significance (4). Last evaluated 2026-07-31.

Conditions:
Cardiovascular phenotype. Identifiers: MedGen CN230736.
Arrhythmogenic cardiomyopathy with wooly hair and keratoderma. Also called: Arrhythmogenic cardiomyopathy with woolly hair and keratoderma; Carvajal syndrome; Dilated cardiomyopathy with woolly hair and keratoderma; PALMOPLANTAR KERATODERMA WITH LEFT VENTRICULAR CARDIOMYOPATHY AND WOOLLY HAIR. Identifiers: Orphanet 65282, MedGen C1854063, MONDO:0011581, OMIM 605676.
Arrhythmogenic right ventricular dysplasia 8 (ARVD8). Also called: Arrhythmogenic Right Ventricular Dysplasia/Cardiomyopathy 8; ARRHYTHMOGENIC RIGHT VENTRICULAR DYSPLASIA, FAMILIAL, 8; ARRHYTHMOGENIC RIGHT VENTRICULAR CARDIOMYOPATHY 8. Identifiers: MedGen C1843896, MONDO:0011831, OMIM 607450.

Allele frequency attached by ClinVar (database versions not stated): gnomAD exomes below 0.00001.
gnomAD v4.1: 2 of 1,614,180 alleles (0.00012%); highest among the groups gnomAD compares: Non-Finnish European, 0.00017%; no homozygotes.

Submissions (4):

Ambry Genetics
Classification: Uncertain significance for Cardiovascular phenotype. Last evaluated: 2026-07-31. Review status: criteria provided, single submitter. Criteria: Ambry Variant Classification Scheme 2023. Collection method: clinical testing. Allele origin: germline.
Comment: The p.F2416L variant (also known as c.7246T>C), located in coding exon 24 of the DSP gene, results from a T to C substitution at nucleotide position 7246. The phenylalanine at codon 2416 is replaced by leucine, an amino acid with highly similar properties. This amino acid position is conserved. In addition, this alteration is predicted to be tolerated by in silico analysis. Based on the available evidence, the clinical significance of this variant remains unclear.

GeneDx
Classification: Uncertain significance. Last evaluated: 2024-06-27. Review status: criteria provided, single submitter. Criteria: GeneDx Variant Classification Process June 2021. Collection method: clinical testing. Allele origin: germline. Affected: yes.
Comment: Not observed at significant frequency in large population cohorts (gnomAD); In silico analysis supports that this missense variant has a deleterious effect on protein structure/function; Has not been previously published as pathogenic or benign to our knowledge

All of Us Research Program, National Institutes of Health
Classification: Uncertain significance for Arrhythmogenic cardiomyopathy with wooly hair and keratoderma. Last evaluated: 2023-10-06. Review status: criteria provided, single submitter. Criteria: ACMG Guidelines, 2015. Collection method: clinical testing. Allele origin: germline. Inheritance: Autosomal dominant inheritance. Observed: 1 variant allele, 1 heterozygote.
Comment: This missense variant replaces phenylalanine with leucine at codon 2416 of the DSP protein. Computational prediction suggests that this variant may not impact protein structure and function (internally defined REVEL score threshold <= 0.5, PMID: 27666373). To our knowledge, functional studies have not been reported for this variant. This variant has not been reported in individuals affected with DSP-related disorders in the literature. This variant has not been identified in the general population by the Genome Aggregation Database (gnomAD). The available evidence is insufficient to determine the role of this variant in disease conclusively. Therefore, this variant is classified as a Variant of Uncertain Significance.

This study involves interpretation of variants in research participants for the purpose of population health screening. Participant phenotype was not available at the time of variant classification. Additional details can be found in publication PMID: 35346344, PMCID: PMC8962531

Labcorp Genetics (formerly Invitae), Labcorp
Classification: Uncertain significance for Arrhythmogenic cardiomyopathy with wooly hair and keratoderma; Arrhythmogenic right ventricular dysplasia 8. Last evaluated: 2021-04-29. Review status: criteria provided, single submitter. Criteria: Invitae Variant Classification Sherloc (09022015). Collection method: clinical testing. Allele origin: germline.
Comment: This sequence change replaces phenylalanine with leucine at codon 2416 of the DSP protein (p.Phe2416Leu). The phenylalanine residue is highly conserved and there is a small physicochemical difference between phenylalanine and leucine. This variant is not present in population databases (ExAC no frequency). This variant has not been reported in the literature in individuals with DSP-related conditions. Algorithms developed to predict the effect of missense changes on protein structure and function are either unavailable or do not agree on the potential impact of this missense change (SIFT: "Tolerated"; PolyPhen-2: "Probably Damaging"; Align-GVGD: "Class C0"). In summary, the available evidence is currently insufficient to determine the role of this variant in disease. Therefore, it has been classified as a Variant of Uncertain Significance.

NM_004415.4(DSP):c.7246T>C (p.Phe2416Leu)

Gene: DSP (desmoplakin; plus strand). Cytogenetic location: 6p24.3.
Variant type: single nucleotide variant.
Coding change: c.7246T>C on transcript NM_004415.4 (MANE Select); coding-DNA position 7246, T replaced by C.
Protein change: p.Phe2416Leu; replaces phenylalanine 2416 with leucine.
Molecular consequence: missense variant.
Genome position (GRCh38, 1-based): chr6:7,584,508, T>C. VCF-style: chr6-7584508-T-C. GRCh37 (hg19) VCF-style: chr6-7584741-T-C.
Other names: c.7246T>C (NM_004415.2); c.5449T>C, p.Phe1817Leu (NM_001008844.3); c.5917T>C, p.Phe1973Leu (NM_001319034.2); short protein forms F2416L, F1817L, F1973L.
Identifiers: ClinVar variation 1405454 (VCV001405454.11), dbSNP rs2113701908, ClinGen allele CA362692568.